The following is an entry in ClinVar:

NM_006745.5(MSMO1):c.376C>G (p.Pro126Ala)

Gene: MSMO1 (methylsterol monooxygenase 1; plus strand). Cytogenetic location: 4q32.3.
Variant type: single nucleotide variant.
Coding change: c.376C>G on transcript NM_006745.5 (MANE Select); coding-DNA position 376, C replaced by G.
Protein change: p.Pro126Ala; replaces proline 126 with alanine.
Molecular consequence: missense variant. On other transcripts: 5 prime UTR variant (1).
Genome position (GRCh38, 1-based): chr4:165,337,909, C>G. VCF-style: chr4-165337909-C-G. GRCh37 (hg19) VCF-style: chr4-166259061-C-G.
Other names: c.-18C>G (NM_001017369.3); short protein forms P126A.
Identifiers: ClinVar variation 728609 (VCV000728609.11), dbSNP rs188890480, ClinGen allele CA3129960.

ClinVar aggregate classification (germline): Benign. Review status: criteria provided, single submitter (1 of 4 stars). 2 submissions from 2 submitters: Benign (1). 1 of the submissions does not count toward it. Last evaluated 2025-11-26.

Conditions:
MSMO1-related disorder. Also called: MSMO1-related condition.

Allele frequency attached by ClinVar (database versions not stated): ESP Exome Variant Server 0.00008; gnomAD 0.00027 and 0.00047; gnomAD exomes 0.00045 and 0.00081; TOPMed 0.00051; ExAC 0.00086; 1000 Genomes Project 30x 0.00172; 1000 Genomes Project 0.00200.
gnomAD v4.1: 717 of 1,613,390 alleles (0.044%); highest among the groups gnomAD compares: East Asian, 1.3%; 8 homozygotes.

Submissions (2):

Labcorp Genetics (formerly Invitae), Labcorp
Classification: Benign. Last evaluated: 2025-11-26. Review status: criteria provided, single submitter. Criteria: Invitae Variant Classification Sherloc (09022015). Collection method: clinical testing. Allele origin: germline.

PreventionGenetics, part of Exact Sciences
Classification: Benign for MSMO1-related condition. Last evaluated: 2020-03-03. Review status: no assertion criteria provided. Collection method: clinical testing. Allele origin: germline. Not counted in ClinVar's aggregate classification.
Comment: This variant is classified as benign based on ACMG/AMP sequence variant interpretation guidelines (Richards et al. 2015 PMID: 25741868, with internal and published modifications).